The following is an entry in ClinVar:

ClinVar aggregate classification (germline): Uncertain significance (1 of 4 stars; one submission).

Conditions:
Hereditary cancer-predisposing syndrome. Also called: Neoplastic Syndromes, Hereditary; Hereditary Cancer Syndrome; Tumor predisposition; Hereditary neoplastic syndrome. Identifiers: Orphanet 140162, MedGen C0027672, MeSH D009386, MONDO:0015356.

Submission:

Ambry Genetics
Classification: Uncertain significance for Hereditary cancer-predisposing syndrome. Last evaluated: 2024-12-13. Review status: criteria provided, single submitter. Criteria: Ambry Variant Classification Scheme 2023. Collection method: clinical testing. Allele origin: germline.
Comment: The c.867+4C>A intronic variant results from a C to A substitution 4 nucleotides after coding exon 4 in the RET gene. This nucleotide position is well conserved in available vertebrate species. In silico splice site analysis predicts that this alteration will not have any significant effect on splicing. Based on the available evidence, the clinical significance of this variant remains unclear.

NM_020975.6(RET):c.867+4C>A

Gene: RET (ret proto-oncogene; plus strand). Cytogenetic location: 10q11.21.
Variant type: single nucleotide variant.
Coding change: c.867+4C>A on transcript NM_020975.6 (MANE Select); 4 bases into the intron after coding-DNA position 867, C replaced by A.
Molecular consequence: intron variant.
Genome position (GRCh38, 1-based): chr10:43,105,197, C>A. VCF-style: chr10-43105197-C-A. GRCh37 (hg19) VCF-style: chr10-43600645-C-A.
Other names: c.867+4C>A (NM_020630.7, NM_001406743.1, NM_001406744.1 and 6 more transcripts); c.625+2568C>A (NM_001406773.1, NM_001406771.1, NM_001406782.1 and 5 more transcripts); c.738+4C>A (NM_001406764.1, NM_001406762.1, NM_001406761.1 and 2 more transcripts); c.496+2568C>A (NM_001406786.1, NM_001406783.1); c.579+4C>A (NM_001406770.1, NM_001406766.1, NM_001406767.1); c.338-3834C>A (NM_001406778.1, NM_001406775.1, NM_001406776.1 and 1 more transcripts); c.337+4475C>A (NM_001406790.1, NM_001406788.1, NM_001406789.1 and 1 more transcripts); c.74-3834C>A (NM_001406784.1); and 2 more.
Identifiers: ClinVar variation 3788303 (VCV003788303.1).